The following is an entry in ClinVar:

ClinVar aggregate classification (germline): Conflicting classifications of pathogenicity. Review status: criteria provided, conflicting classifications (1 of 4 stars). 3 submissions from 3 submitters: Uncertain significance (2); Likely benign (1). Last evaluated 2023-03-23.

Conditions:
Hereditary cancer-predisposing syndrome. Also called: Neoplastic Syndromes, Hereditary; Tumor predisposition; Hereditary neoplastic syndrome; Hereditary Cancer Syndrome. Identifiers: Orphanet 140162, MedGen C0027672, MeSH D009386, MONDO:0015356.

Submissions (3):

University of Washington Department of Laboratory Medicine, University of Washington
Classification: Likely benign for Hereditary cancer-predisposing syndrome. Last evaluated: 2023-03-23. Review status: criteria provided, single submitter. Criteria: Dines et al. (Genet Med. 2020). Collection method: curation. Allele origin: germline.
Comment: Missense variant in a coldspot region where missense variants are very unlikely to be pathogenic (PMID:31911673).

BRCA1 coldspot (exon 11 using historical exon numbering). Reclassification based on statistical prior probability

Ambry Genetics
Classification: Uncertain significance for Hereditary cancer-predisposing syndrome. Last evaluated: 2019-12-20. Review status: criteria provided, single submitter. Criteria: Ambry Variant Classification Scheme 2023. Collection method: clinical testing. Allele origin: germline.
Comment: The p.L1153P variant (also known as c.3458T>C), located in coding exon 9 of the BRCA1 gene, results from a T to C substitution at nucleotide position 3458. The leucine at codon 1153 is replaced by proline, an amino acid with similar properties. This amino acid position is highly conserved in available vertebrate species. In addition, this alteration is predicted to be deleterious by in silico analysis. Since supporting evidence is limited at this time, the clinical significance of this alteration remains unclear.

Women's Health and Genetics/Laboratory Corporation of America, LabCorp
Classification: Uncertain significance. Last evaluated: 2019-10-14. Review status: criteria provided, single submitter. Criteria: LabCorp Variant Classification Summary - May 2015. Collection method: clinical testing. Allele origin: germline.
Comment: Variant summary: BRCA1 c.3458T>C (p.Leu1153Pro) results in a non-conservative amino acid change in the encoded protein sequence. Five of five in-silico tools predict a damaging effect of the variant on protein function. The variant was absent in 251262 control chromosomes (gnomAD). The available data on variant occurrences in the general population are insufficient to allow any conclusion about variant significance. To our knowledge, no occurrence of c.3458T>C in individuals affected with Hereditary Breast and Ovarian Cancer and no experimental evidence demonstrating its impact on protein function have been reported. No clinical diagnostic laboratories have submitted clinical-significance assessments for this variant to ClinVar after 2014. Based on the evidence outlined above, the variant was classified as uncertain significance.

NM_007294.4(BRCA1):c.3458T>C (p.Leu1153Pro)

Genes: BRCA1 (BRCA1 DNA repair associated; minus strand), LOC126862571 (BRD4-independent group 4 enhancer GRCh37_chr17:41243136-41244335; plus strand). Cytogenetic location: 17q21.31.
Variant type: single nucleotide variant.
Coding change: c.3458T>C on transcript NM_007294.4 (MANE Select); coding-DNA position 3458, T replaced by C.
Protein change: p.Leu1153Pro; replaces leucine 1153 with proline.
Molecular consequence: missense variant. On other transcripts: intron variant (135).
Genome position (GRCh38, 1-based): chr17:43,092,073, A>G on the plus strand (T>C on the coding strand, the complement: BRCA1 is on the minus strand). VCF-style: chr17-43092073-A-G. GRCh37 (hg19) VCF-style: chr17-41244090-A-G.
Other names: c.3245T>C, p.Leu1082Pro (NM_001407897.1, NM_001407898.1, NM_001407899.1 and 9 more transcripts); c.3248T>C, p.Leu1083Pro (NM_001407902.1, NM_001407900.1, NM_001407879.1 and 13 more transcripts); c.3458T>C, p.Leu1153Pro (NM_001407581.1, NM_001407582.1, NM_001407583.1 and 30 more transcripts); c.3455T>C, p.Leu1152Pro (NM_001407587.1, NM_001407590.1, NM_001407591.1 and 22 more transcripts); c.3449T>C, p.Leu1150Pro (NM_001407646.1, NM_001407647.1); c.3335T>C, p.Leu1112Pro (NM_001407648.1, NM_001407664.1, NM_001407665.1 and 19 more transcripts); c.3332T>C, p.Leu1111Pro (NM_001407649.1, NM_001407670.1, NM_001407671.1 and 11 more transcripts); c.3380T>C, p.Leu1127Pro (NM_001407653.1, NM_001407654.1, NM_001407655.1 and 4 more transcripts); and 41 more; short protein forms L1106P, L1153P, L1025P, L1041P, L1082P, L1085P, L1111P, L285P.
Identifiers: ClinVar variation 823795 (VCV000823795.8), dbSNP rs1597863549, ClinGen allele CA10595066.